The following is an entry in ClinVar:

ClinVar aggregate classification (germline): Uncertain significance (0 of 4 stars; one submission).

Conditions:
CIITA-related disorder. Also called: CIITA-related condition.

Submission:

PreventionGenetics, part of Exact Sciences
Classification: Uncertain significance for CIITA-related condition. Last evaluated: 2024-02-07. Review status: no assertion criteria provided. Collection method: clinical testing. Allele origin: germline.
Comment: The CIITA c.2629G>C variant is predicted to result in the amino acid substitution p.Val877Leu. To our knowledge, this variant has not been reported in the literature or in a large population database, indicating this variant is rare. At this time, the clinical significance of this variant is uncertain due to the absence of conclusive functional and genetic evidence.

NM_000246.4(CIITA):c.2629G>C (p.Val877Leu)

Gene: CIITA (class II major histocompatibility complex transactivator; plus strand). Cytogenetic location: 16p13.13.
Variant type: single nucleotide variant.
Coding change: c.2629G>C on transcript NM_000246.4 (MANE Select); coding-DNA position 2629, G replaced by C.
Protein change: p.Val877Leu; replaces valine 877 with leucine.
Molecular consequence: missense variant. On other transcripts: intron variant (1).
Genome position (GRCh38, 1-based): chr16:10,908,121, G>C. VCF-style: chr16-10908121-G-C. GRCh37 (hg19) VCF-style: chr16-11001978-G-C.
Other names: c.2632G>C, p.Val878Leu (NM_001286402.1, NM_001379332.1); c.2485G>C, p.Val829Leu (NM_001379330.1); c.2482G>C, p.Val828Leu (NM_001379331.1); c.2629G>C, p.Val877Leu (NM_001379333.1); c.2560G>C, p.Val854Leu (NM_001379334.1); c.860-862G>C (NM_001286403.2); short protein forms V828L, V829L, V854L, V877L, V878L.
Identifiers: ClinVar variation 3061430 (VCV003061430.2), dbSNP rs772620752, ClinGen allele CA394734010.